The following is an entry in ClinVar:

ClinVar aggregate classification (germline): Likely benign. Review status: criteria provided, multiple submitters, no conflicts (2 of 4 stars). 3 submissions from 3 submitters: Likely benign (3). Last evaluated 2026-01-05.

Conditions:
Inborn genetic diseases. Identifiers: MedGen C0950123, MeSH D030342.
Wilms tumor 1 (WT1). Also called: Wilms tumor, somatic. Identifiers: Orphanet 654, MedGen CN033288, MONDO:0008679, OMIM 194070.
11p partial monosomy syndrome (WAGR). Also called: CHROMOSOME 11p13 DELETION SYNDROME; WAGR Spectrum Disorder; WAGR syndrome; WAGR Complex. Identifiers: Orphanet 893, MedGen C0206115, MONDO:0008681, OMIM 194072.
Frasier syndrome. Identifiers: Orphanet 347, MedGen C0950122, MeSH D052159, MONDO:0007635, OMIM 136680.
Drash syndrome (DDS). Also called: NEPHROPATHY, WILMS TUMOR, AND GENITAL ANOMALIES; WILMS TUMOR AND PSEUDO- OR TRUE HERMAPHRODITISM. Identifiers: Orphanet 220, MedGen C0950121, MONDO:0008682, OMIM 194080.

Allele frequency attached by ClinVar (database versions not stated): gnomAD exomes below 0.00001.
gnomAD v4.1: 1 of 1,614,066 alleles (0.000062%); highest among the groups gnomAD compares: Non-Finnish European, 0.000085%; no homozygotes.

Submissions (3):

Labcorp Genetics (formerly Invitae), Labcorp
Classification: Likely benign for Wilms tumor 1; Drash syndrome; 11p partial monosomy syndrome; Frasier syndrome. Last evaluated: 2026-01-05. Review status: criteria provided, single submitter. Criteria: Invitae Variant Classification Sherloc (09022015). Collection method: clinical testing. Allele origin: germline.

Ambry Genetics
Classification: Likely benign for Inborn genetic diseases. Last evaluated: 2024-11-28. Review status: criteria provided, single submitter. Criteria: Ambry Variant Classification Scheme 2023. Collection method: clinical testing. Allele origin: germline.

All of Us Research Program, National Institutes of Health
Classification: Likely benign for Wilms tumor 1. Last evaluated: 2023-09-17. Review status: criteria provided, single submitter. Criteria: ACMG Guidelines, 2015. Collection method: clinical testing. Allele origin: germline. Inheritance: Autosomal dominant inheritance. Observed: 1 variant allele, 1 heterozygote.
Comment: This study involves interpretation of variants in research participants for the purpose of population health screening. Participant phenotype was not available at the time of variant classification. Additional details can be found in publication PMID: 35346344, PMCID: PMC8962531

NM_024426.6(WT1):c.1143G>A (p.Pro381=)

Gene: WT1 (WT1 transcription factor; minus strand). Cytogenetic location: 11p13.
Variant type: single nucleotide variant.
Coding change: c.1143G>A on transcript NM_024426.6 (MANE Select); coding-DNA position 1143, G replaced by A.
Protein change: p.Pro381=; no amino-acid change (proline 381 retained).
Molecular consequence: synonymous variant. On other transcripts: 5 prime UTR variant (1), non-coding transcript variant (2).
Genome position (GRCh38, 1-based): chr11:32,396,378, C>T on the plus strand (G>A on the coding strand, the complement: WT1 is on the minus strand). VCF-style: chr11-32396378-C-T. GRCh37 (hg19) VCF-style: chr11-32417924-C-T.
Other names: c.1092G>A, p.Pro364= (NM_000378.6, NM_001407045.1, NM_001407048.1 and 1 more transcripts); c.492G>A, p.Pro164= (NM_001198551.2); c.441G>A, p.Pro147= (NM_001198552.2); c.-46G>A (NM_001367854.1); c.1137G>A, p.Pro379= (NM_001407044.1); c.1143G>A, p.Pro381= (NM_001407046.1, NM_024424.5); c.1020G>A, p.Pro340= (NM_001407047.1); c.969G>A, p.Pro323= (NM_001407050.1); and 2 more.
Identifiers: ClinVar variation 543155 (VCV000543155.14), dbSNP rs1554939849, ClinGen allele CA473567217.